The following is an entry in ClinVar:

ClinVar aggregate classification (germline): Pathogenic/Likely pathogenic. Review status: criteria provided, multiple submitters, no conflicts (2 of 4 stars). 12 submissions from 12 submitters: Pathogenic (10); Likely pathogenic (1). 1 of the submissions does not count toward it. Last evaluated 2026-10-30.

Conditions:
Epilepsy, familial focal, with variable foci 3 (FFEVF3). Identifiers: MedGen C4310708, MONDO:0014925, OMIM 617118.
NPRL3-related disorder. Also called: NPRL3-related condition.

Allele frequency attached by ClinVar (database versions not stated): gnomAD 0.00001.
gnomAD v4.1: 2 of 1,599,076 alleles (0.00013%); highest among the groups gnomAD compares: Non-Finnish European, 0.00017%; no homozygotes.

Submissions (12):

Institute of Medical Genetics and Applied Genomics, University Hospital Tübingen
Classification: Pathogenic for Epilepsy, familial focal, with variable foci 3. Last evaluated: 2026-10-30. Review status: criteria provided, single submitter. Criteria: ACMG Guidelines, 2015. Collection method: clinical testing. Allele origin: germline. Inheritance: Autosomal dominant inheritance. Affected: yes.

Service of Pediatric Gastrohepatology and Metabolic Diseases, University of Medicine of Tirana
Classification: Pathogenic for Epilepsy, familial focal, with variable foci 3. Last evaluated: 2026-04-29. Review status: criteria provided, single submitter. Criteria: ACMG Guidelines, 2015. Collection method: clinical testing. Allele origin: germline. Inheritance: Autosomal dominant inheritance. Affected: yes. Observed: 1 variant allele.
Comment: NPRL3 c.1270C>T was classified as Pathogenic using ACMG/AMP 2015 criteria (PMID:25741868). Evidence considered includes strong prior disease association/functional or case-level evidence where available, PM2 for rarity/absence in population databases when reviewed, PP3 for predicted deleterious effect, and PP4 for phenotype consistency with NPRL3-related focal epilepsy (OMIM:617118).

CeGaT Center for Human Genetics Tuebingen
Classification: Pathogenic. Last evaluated: 2026-04-01. Review status: criteria provided, single submitter. Criteria: CeGaT Center For Human Genetics Tuebingen Variant Classification Criteria Version 2. Collection method: clinical testing. Allele origin: germline. Affected: yes. Observed: 1 variant allele.
Comment: NPRL3: PVS1, PM2, PP1:Moderate, PS4:Moderate, PM6:Supporting

Labcorp Genetics (formerly Invitae), Labcorp
Classification: Pathogenic for Epilepsy, familial focal, with variable foci 3. Last evaluated: 2025-12-03. Review status: criteria provided, single submitter. Criteria: Invitae Variant Classification Sherloc (09022015). Collection method: clinical testing. Allele origin: germline.
Comment: This sequence change creates a premature translational stop signal (p.Arg424*) in the NPRL3 gene. It is expected to result in an absent or disrupted protein product. Loss-of-function variants in NPRL3 are known to be pathogenic (PMID: 26285051, 26505888). This variant is not present in population databases (gnomAD no frequency). This premature translational stop signal has been observed in individual(s) with focal epilepsy (PMID: 27173016). It has also been observed to segregate with disease in related individuals. ClinVar contains an entry for this variant (Variation ID: 254360). For these reasons, this variant has been classified as Pathogenic.

Center of Human Genetics, Hôpital Erasme
Classification: Pathogenic for Epilepsy, familial focal, with variable foci 3. Last evaluated: 2025-01-01. Review status: criteria provided, single submitter. Criteria: ACMG Guidelines, 2015. Collection method: clinical testing. Allele origin: de novo. Affected: yes.

3billion
Classification: Pathogenic for Epilepsy, familial focal, with variable foci 3. Last evaluated: 2024-09-05. Review status: criteria provided, single submitter. Criteria: ACMG Guidelines, 2015. Collection method: clinical testing. Allele origin: germline. Affected: yes.
Comment: The variant is observed at an extremely low frequency in the gnomAD v4.0.0 dataset (total allele frequency: <0.001%). Predicted Consequence/Location: Stop-gained (nonsense): predicted to result in a loss or disruption of normal protein function through nonsense-mediated decay (NMD) or protein truncation. Multiple pathogenic variants are reported downstream of the variant. The variant has been reported at least twice as pathogenic with clinical assertions and evidence for the classification (ClinVar ID: VCV000254360 /PMID: 27173016). Therefore, this variant is classified as Pathogenic according to the recommendation of ACMG/AMP guideline.

GeneDx
Classification: Pathogenic. Last evaluated: 2023-05-08. Review status: criteria provided, single submitter. Criteria: GeneDx Variant Classification Process June 2021. Collection method: clinical testing. Allele origin: germline. Affected: yes.
Comment: Reported previously in an individual with refractory focal epilepsy (Abumurad et al., 221); Nonsense variant predicted to result in protein truncation or nonsense mediated decay in a gene for which loss of function is a known mechanism of disease; Not observed at significant frequency in large population cohorts (gnomAD); This variant is associated with the following publications: (PMID: 34868250, 34693554, 33461085, 33741238, 30093711, 27173016, 30485578, 36864519, 37099548, 34235417, 36937533)

Equipe Genetique des Anomalies du Developpement, Université de Bourgogne
Classification: Pathogenic for Epilepsy, familial focal, with variable foci 3. Last evaluated: 2021-10-18. Review status: criteria provided, single submitter. Criteria: ACMG Guidelines, 2015. Collection method: clinical testing. Allele origin: maternal. Affected: yes.

Blueprint Genetics
Classification: Pathogenic for NPRL3-related disorders. Last evaluated: 2021-05-26. Review status: criteria provided, single submitter. Criteria: ACMG Guidelines, 2015. Collection method: clinical testing. Allele origin: germline. Affected: yes. Observed: 1 variant allele.

Neuberg Centre For Genomic Medicine, NCGM
Classification: Likely pathogenic for Epilepsy, familial focal, with variable foci 3. Review status: criteria provided, single submitter. Criteria: ACMG Guidelines, 2015. Collection method: clinical testing. Allele origin: germline. Inheritance: Autosomal dominant inheritance. Affected: yes.
Comment: The stop gained variant c.1270C>T(p.Arg424Ter) in NPRL3 gene has been reported in heterozygous state in individuals with focal epilepsy (Weckhuysen S, et al., 2016, Abumurad S, et al., 2021). The variant is novel (not in any individuals) in gnomAD Exomes and in 1000 Genomes. This variant has been reported to the ClinVar database as Pathogenic (multiple submissions). This variant is predicted to cause loss of normal protein function through protein truncation. Loss of function variants have been previously reported to be disease causing (Ricos MG, et al., 2016). For these reasons, this variant has been classified as Likely Pathogenic.

Solve-RD Consortium
Classification: Pathogenic for Epilepsy, familial focal, with variable foci 3. Review status: criteria provided, single submitter. Criteria: ACMG Guidelines, 2015. Collection method: provider interpretation. Allele origin: germline. Inheritance: Autosomal dominant inheritance. Affected: yes. Study: Solve-RD DIFT-EpiCARE reanalysis.
Comment: PVS1, PS4, PM2

Variant identified during reanalysis of unsolved cases by the Solve-RD project. The Solve-RD project has received funding from the European Union’s Horizon 2020 research and innovation programme under grant agreement No 779257.

OMIM
Classification: Pathogenic for EPILEPSY, FAMILIAL FOCAL, WITH VARIABLE FOCI 3. Last evaluated: 2016-09-21. Review status: no assertion criteria provided. Collection method: literature only. Allele origin: germline. Not counted in ClinVar's aggregate classification.

Literature cited by the submitters: PubMed 26285051 (cited by Labcorp Genetics (formerly Invitae), Labcorp); PubMed 26505888 (cited by Labcorp Genetics (formerly Invitae), Labcorp); PubMed 27173016 (cited by 3 submitters).

NM_001077350.3(NPRL3):c.1270C>T (p.Arg424Ter)

Genes: HBA-LCR (alpha-globin locus control region; plus strand), NPRL3 (NPR3 like, GATOR1 complex subunit; minus strand). Cytogenetic location: 16p13.3.
Variant type: single nucleotide variant.
Coding change: c.1270C>T on transcript NM_001077350.3 (MANE Select); coding-DNA position 1270, C replaced by T.
Protein change: p.Arg424Ter; replaces arginine 424 with a stop codon.
Molecular consequence: nonsense.
Genome position (GRCh38, 1-based): chr16:89,794, G>A on the plus strand (C>T on the coding strand, the complement: NPRL3 is on the minus strand). VCF-style: chr16-89794-G-A. GRCh37 (hg19) VCF-style: chr16-139792-G-A.
Other names: c.733C>T, p.Arg245Ter (NM_001039476.3); c.1036C>T, p.Arg346Ter (NM_001243247.2); c.1195C>T, p.Arg399Ter (NM_001243248.2, NM_001243249.2); short protein forms R424*, R399*, R346*, R245*.
Identifiers: ClinVar variation 254360 (VCV000254360.22), dbSNP rs886037961, ClinGen allele CA10586473.